The following is an entry in ClinVar:

NM_001103.4(ACTN2):c.929A>G (p.Glu310Gly)

Gene: ACTN2 (actinin alpha 2; plus strand). Cytogenetic location: 1q43.
Variant type: single nucleotide variant.
Coding change: c.929A>G on transcript NM_001103.4 (MANE Select); coding-DNA position 929, A replaced by G.
Protein change: p.Glu310Gly; replaces glutamic acid 310 with glycine.
Molecular consequence: missense variant. On other transcripts: non-coding transcript variant (1).
Genome position (GRCh38, 1-based): chr1:236,739,354, A>G. VCF-style: chr1-236739354-A-G. GRCh37 (hg19) VCF-style: chr1-236902654-A-G.
Other names: c.929A>G, p.Glu310Gly (NM_001278343.2); c.305A>G, p.Glu102Gly (NM_001278344.2); c.179A>G, p.Glu60Gly (NM_001412150.1); c.929A>G (NM_001103.2); short protein forms E310G, E60G, E102G.
Identifiers: ClinVar variation 2929572 (VCV002929572.5), dbSNP rs2527599363, ClinGen allele CA345380102.

ClinVar aggregate classification (germline): Uncertain significance. Review status: criteria provided, multiple submitters, no conflicts (2 of 4 stars). 3 submissions from 3 submitters: Uncertain significance (3). Last evaluated 2024-11-08.

Conditions:
Primary familial hypertrophic cardiomyopathy (HCM). Identifiers: Orphanet 99739, MedGen C0949658, MeSH D024741, MONDO:0024573. Inheritance: Various modes of inheritance.
Dilated cardiomyopathy 1AA (CMD1AA). Also called: CARDIOMYOPATHY, DILATED, 1AA, WITH OR WITHOUT LEFT VENTRICULAR NONCOMPACTION; CARDIOMYOPATHY, FAMILIAL HYPERTROPHIC, 23, WITH OR WITHOUT LEFT VENTRICULAR NONCOMPACTION; Cardiomyopathy, dilated, 1AA, with or without LVNC. Identifiers: Orphanet 154, MedGen C2677338, MONDO:0012808, OMIM 612158.
Cardiovascular phenotype. Identifiers: MedGen CN230736.

Allele frequency attached by ClinVar (database versions not stated): gnomAD exomes below 0.00001.
gnomAD v4.1: 1 of 1,614,052 alleles (0.000062%); highest among the groups gnomAD compares: Admixed American, 0.0017%; no homozygotes.

Submissions (3):

Ambry Genetics
Classification: Uncertain significance for Cardiovascular phenotype. Last evaluated: 2024-11-08. Review status: criteria provided, single submitter. Criteria: Ambry Variant Classification Scheme 2023. Collection method: clinical testing. Allele origin: germline.
Comment: The p.E310G variant (also known as c.929A>G), located in coding exon 10 of the ACTN2 gene, results from an A to G substitution at nucleotide position 929. The glutamic acid at codon 310 is replaced by glycine, an amino acid with similar properties. This amino acid position is highly conserved in available vertebrate species. In addition, the in silico prediction for this alteration is inconclusive. Based on the available evidence, the clinical significance of this variant remains unclear.

GeneDx
Classification: Uncertain significance. Last evaluated: 2024-09-04. Review status: criteria provided, single submitter. Criteria: GeneDx Variant Classification Process June 2021. Collection method: clinical testing. Allele origin: germline. Affected: yes.
Comment: Has not been previously published as pathogenic or benign to our knowledge; Not observed at significant frequency in large population cohorts (gnomAD); In silico analysis supports that this missense variant has a deleterious effect on protein structure/function

Labcorp Genetics (formerly Invitae), Labcorp
Classification: Uncertain significance for Primary familial hypertrophic cardiomyopathy; Dilated cardiomyopathy 1AA. Last evaluated: 2022-11-15. Review status: criteria provided, single submitter. Criteria: Invitae Variant Classification Sherloc (09022015). Collection method: clinical testing. Allele origin: germline.
Comment: In summary, the available evidence is currently insufficient to determine the role of this variant in disease. Therefore, it has been classified as a Variant of Uncertain Significance. Advanced modeling of protein sequence and biophysical properties (such as structural, functional, and spatial information, amino acid conservation, physicochemical variation, residue mobility, and thermodynamic stability) performed at Invitae indicates that this missense variant is not expected to disrupt ACTN2 protein function. This variant has not been reported in the literature in individuals affected with ACTN2-related conditions. This variant is not present in population databases (gnomAD no frequency). This sequence change replaces glutamic acid, which is acidic and polar, with glycine, which is neutral and non-polar, at codon 310 of the ACTN2 protein (p.Glu310Gly).